The following is an entry in ClinVar:

NM_000059.4(BRCA2):c.3911C>T (p.Thr1304Ile)

Gene: BRCA2 (BRCA2 DNA repair associated; plus strand). Cytogenetic location: 13q13.1.
Variant type: single nucleotide variant.
Coding change: c.3911C>T on transcript NM_000059.4 (MANE Select); coding-DNA position 3911, C replaced by T.
Protein change: p.Thr1304Ile; replaces threonine 1304 with isoleucine.
Molecular consequence: missense variant.
Genome position (GRCh38, 1-based): chr13:32,338,266, C>T. VCF-style: chr13-32338266-C-T. GRCh37 (hg19) VCF-style: chr13-32912403-C-T.
Other names: short protein forms T1304I.
Identifiers: ClinVar variation 966521 (VCV000966521.11), dbSNP rs1555283472, ClinGen allele CA387778807.

ClinVar aggregate classification (germline): Conflicting classifications of pathogenicity. Review status: criteria provided, conflicting classifications (1 of 4 stars). 2 submissions from 2 submitters: Uncertain significance (1); Likely benign (1). Last evaluated 2023-03-23.

Conditions:
Hereditary cancer-predisposing syndrome. Also called: Hereditary neoplastic syndrome; Neoplastic Syndromes, Hereditary; Hereditary Cancer Syndrome; Tumor predisposition. Identifiers: Orphanet 140162, MedGen C0027672, MeSH D009386, MONDO:0015356.
Hereditary breast ovarian cancer syndrome. Also called: Hereditary breast and ovarian cancer; Hereditary breast and/or ovarian cancer syndrome; Hereditary breast and ovarian cancer syndrome; Hereditary breast and ovarian cancer syndrome (HBOC); Breast and ovarian cancer; BRCA1- and BRCA2-Associated Hereditary Breast and Ovarian Cancer. Identifiers: Orphanet 145, MedGen C0677776, MeSH D061325, MONDO:0003582. Disease mechanism: loss of function.

Submissions (2):

University of Washington Department of Laboratory Medicine, University of Washington
Classification: Likely benign for Hereditary cancer-predisposing syndrome. Last evaluated: 2023-03-23. Review status: criteria provided, single submitter. Criteria: Dines et al. (Genet Med. 2020). Collection method: curation. Allele origin: germline.
Comment: Missense variant in a coldspot region where missense variants are very unlikely to be pathogenic (PMID:31911673).

BRCA2 exon 11 coldspot. Reclassification based on statistical prior probability.

Labcorp Genetics (formerly Invitae), Labcorp
Classification: Uncertain significance for Hereditary breast ovarian cancer syndrome. Last evaluated: 2019-10-16. Review status: criteria provided, single submitter. Criteria: Invitae Variant Classification Sherloc (09022015). Collection method: clinical testing. Allele origin: germline.
Comment: In summary, the available evidence is currently insufficient to determine the role of this variant in disease. Therefore, it has been classified as a Variant of Uncertain Significance. Algorithms developed to predict the effect of missense changes on protein structure and function output the following: SIFT: "Tolerated"; PolyPhen-2: "Benign"; Align-GVGD: "Class C0". The isoleucine amino acid residue is found in multiple mammalian species, suggesting that this missense change does not adversely affect protein function. These predictions have not been confirmed by published functional studies and their clinical significance is uncertain. This variant has not been reported in the literature in individuals with BRCA2-related conditions. This variant is not present in population databases (ExAC no frequency). This sequence change replaces threonine with isoleucine at codon 1304 of the BRCA2 protein (p.Thr1304Ile). The threonine residue is weakly conserved and there is a moderate physicochemical difference between threonine and isoleucine.